The following is an entry in ClinVar:

ClinVar aggregate classification (germline): Benign. Review status: criteria provided, multiple submitters, no conflicts (2 of 4 stars). 2 submissions from 2 submitters: Benign (2). Last evaluated 2018-06-14.

Allele frequency attached by ClinVar (database versions not stated): 1000 Genomes Project 0.17173; gnomAD 0.15005 and 0.15281; TOPMed 0.15691; 1000 Genomes Project 30x 0.16911.
gnomAD v4.1: 121,679 of 1,025,932 alleles (12%); highest among the groups gnomAD compares: African/African-American, 25%; 8,290 homozygotes.

Submissions (5):

GeneDx
Classification: Benign. Last evaluated: 2018-06-14. Review status: criteria provided, single submitter. Criteria: GeneDx Variant Classification (06012015). Collection method: clinical testing. Allele origin: germline. Affected: yes.
Comment: This variant is considered likely benign or benign based on one or more of the following criteria: it is a conservative change, it occurs at a poorly conserved position in the protein, it is predicted to be benign by multiple in silico algorithms, and/or has population frequency not consistent with disease.

Breakthrough Genomics
Classification: Benign. Review status: criteria provided, single submitter. Criteria: ACMG Guidelines, 2015. Collection method: not provided. Allele origin: germline. Inheritance: Autosomal recessive inheritance. Affected: yes.

Dr. Peter K. Rogan Lab, Western University
No classification provided (evidence only). Condition: Nonpapillary renal cell carcinoma. Review status: no classification provided. Collection method: in vitro. Allele origin: not applicable. Functional consequence: retained intron. Not counted in ClinVar's aggregate classification.

Dr. Peter K. Rogan Lab, Western University
No classification provided (evidence only). Condition: Nonpapillary renal cell carcinoma. Review status: no classification provided. Collection method: in vitro. Allele origin: not applicable. Functional consequence: retained intron. Not counted in ClinVar's aggregate classification.

Dr. Peter K. Rogan Lab, Western University
No classification provided (evidence only). Condition: Cholangiocarcinoma. Review status: no classification provided. Collection method: in vitro. Allele origin: not applicable. Functional consequence: retained intron. Not counted in ClinVar's aggregate classification.

NM_198681.4(PLEKHG5):c.-313C>G

Gene: PLEKHG5 (pleckstrin homology and RhoGEF domain containing G5; minus strand). Cytogenetic location: 1p36.31.
Variant type: single nucleotide variant.
Coding change: c.-313C>G on transcript NM_198681.4; 313 bases upstream of the start codon, C replaced by G.
Molecular consequence: 5 prime UTR variant.
Genome position (GRCh38, 1-based): chr1:6,519,593, G>C on the plus strand (C>G on the coding strand, the complement: PLEKHG5 is on the minus strand). VCF-style: chr1-6519593-G-C. GRCh37 (hg19) VCF-style: chr1-6579653-G-C.
Other names: NC_000001.10:g.6579653G>C.
Identifiers: ClinVar variation 667922 (VCV000667922.5), dbSNP rs41278014, ClinGen allele CA10830898.